The following is an entry in ClinVar:

ClinVar aggregate classification (germline): Uncertain significance (1 of 4 stars; one submission).

Conditions:
Hereditary cancer-predisposing syndrome. Also called: Neoplastic Syndromes, Hereditary; Tumor predisposition; Hereditary Cancer Syndrome; Hereditary neoplastic syndrome. Identifiers: Orphanet 140162, MedGen C0027672, MeSH D009386, MONDO:0015356.

Submission:

Color Diagnostics, LLC DBA Color Health
Classification: Uncertain significance for Hereditary cancer-predisposing syndrome. Last evaluated: 2023-12-27. Review status: criteria provided, single submitter. Criteria: ACMG Guidelines, 2015. Collection method: clinical testing. Allele origin: germline.
Comment: This missense variant replaces threonine with proline at codon 2035 of the BRCA2 protein. Computational prediction suggests that this variant may not impact protein structure and function (internally defined REVEL score threshold <= 0.5, PMID: 27666373). To our knowledge, functional studies have not been reported for this variant. This variant has not been reported in individuals affected with BRCA2-related disorders in the literature. This variant has not been identified in the general population by the Genome Aggregation Database (gnomAD). The available evidence is insufficient to determine the role of this variant in disease conclusively. Therefore, this variant is classified as a Variant of Uncertain Significance.

NM_000059.4(BRCA2):c.6103A>C (p.Thr2035Pro)

Gene: BRCA2 (BRCA2 DNA repair associated; plus strand). Cytogenetic location: 13q13.1.
Variant type: single nucleotide variant.
Coding change: c.6103A>C on transcript NM_000059.4 (MANE Select); coding-DNA position 6103, A replaced by C.
Protein change: p.Thr2035Pro; replaces threonine 2035 with proline.
Molecular consequence: missense variant. On other transcripts: non-coding transcript variant (1), intron variant (2).
Genome position (GRCh38, 1-based): chr13:32,340,458, A>C. VCF-style: chr13-32340458-A-C. GRCh37 (hg19) VCF-style: chr13-32914595-A-C.
Other names: c.6103A>C, p.Thr2035Pro (NM_001406719.1, NM_001406720.1); c.1910-4100A>C (NM_001406721.1); c.425-4100A>C (NM_001406722.1); short protein forms T2035P.
Identifiers: ClinVar variation 2774928 (VCV002774928.2), dbSNP rs2137524324, ClinGen allele CA387788098.